The following is an entry in ClinVar:

NM_080680.3(COL11A2):c.3583G>A (p.Gly1195Ser)

Gene: COL11A2 (collagen type XI alpha 2 chain; minus strand). Cytogenetic location: 6p21.32.
Variant type: single nucleotide variant.
Coding change: c.3583G>A on transcript NM_080680.3 (MANE Select); coding-DNA position 3583, G replaced by A.
Protein change: p.Gly1195Ser; replaces glycine 1195 with serine.
Molecular consequence: missense variant.
Genome position (GRCh38, 1-based): chr6:33,170,100, C>T on the plus strand (G>A on the coding strand, the complement: COL11A2 is on the minus strand). VCF-style: chr6-33170100-C-T. GRCh37 (hg19) VCF-style: chr6-33137877-C-T.
Other names: c.3403G>A, p.Gly1135Ser (NM_001424108.1); c.2737G>A, p.Gly913Ser (NM_001424109.1); c.2557G>A, p.Gly853Ser (NM_001424110.1, NM_001424111.1); c.1537G>A, p.Gly513Ser (NM_001424112.1); c.3262G>A, p.Gly1088Ser (NM_080679.3); c.3325G>A, p.Gly1109Ser (NM_080681.3); short protein forms G913S, G1109S, G1088S, G1195S, G853S, G1135S, G513S.
Identifiers: ClinVar variation 3706221 (VCV003706221.2).

ClinVar aggregate classification (germline): Uncertain significance (1 of 4 stars; one submission).

gnomAD v4.1: 24 of 1,612,890 alleles (0.0015%); highest among the groups gnomAD compares: Non-Finnish European, 0.0019%; no homozygotes.

Submission:

Labcorp Genetics (formerly Invitae), Labcorp
Classification: Uncertain significance. Last evaluated: 2025-02-02. Review status: criteria provided, single submitter. Criteria: Invitae Variant Classification Sherloc (09022015). Collection method: clinical testing. Allele origin: germline.
Comment: This sequence change replaces glycine, which is neutral and non-polar, with serine, which is neutral and polar, at codon 1195 of the COL11A2 protein (p.Gly1195Ser). This variant is present in population databases (no rsID available, gnomAD 0.007%). This variant has not been reported in the literature in individuals affected with COL11A2-related conditions. Experimental studies and prediction algorithms are not available or were not evaluated, and the functional significance of this variant is currently unknown. In summary, the available evidence is currently insufficient to determine the role of this variant in disease. Therefore, it has been classified as a Variant of Uncertain Significance.